The following is an entry in ClinVar:

NM_015175.3(NBEAL2):c.7779_7781dup (p.Leu2594_Gly2595insLeu)

Gene: NBEAL2 (neurobeachin like 2; plus strand). Cytogenetic location: 3p21.31.
Variant type: Duplication.
Coding change: c.7779_7781dup on transcript NM_015175.3 (MANE Select); coding-DNA positions 7779 to 7781, 3 bases duplicated (TCT; older notation c.7779_7781dupTCT).
Protein change: p.Leu2594_Gly2595insLeu.
Molecular consequence: inframe insertion.
Genome position (GRCh38, 1-based): chr3:47,008,342-47,008,344, TCT duplicated. VCF-style (leftmost placement, unchanged base first): chr3-47008341-C-CTCT. GRCh37 (hg19) VCF-style: chr3-47049831-C-CTCT.
Other names: c.7677_7679dup, p.Leu2560_Gly2561insLeu (NM_001365116.2); c.7779_7781dupTCT (NM_015175.3).
Identifiers: ClinVar variation 3063856 (VCV003063856.1), dbSNP rs1402530851, ClinGen allele CA543042499.

ClinVar aggregate classification (germline): Uncertain significance (1 of 4 stars; one submission).

Allele frequency attached by ClinVar (database versions not stated): gnomAD exomes 0.00001; TOPMed 0.00002; gnomAD 0.00003.

Submission:

Women's Health and Genetics/Laboratory Corporation of America, LabCorp
Classification: Uncertain significance. Last evaluated: 2024-01-11. Review status: criteria provided, single submitter. Criteria: LabCorp Variant Classification Summary - May 2015. Collection method: clinical testing. Allele origin: germline.
Comment: Variant summary: NBEAL2 c.7779_7781dupTCT (p.Leu2594dup) results in an in-frame duplication that is predicted to duplicate one amino acids into the encoded protein. The variant allele was found at a frequency of 4e-06 in 247458 control chromosomes. The available data on variant occurrences in the general population are insufficient to allow any conclusion about variant significance. To our knowledge, no occurrence of c.7779_7781dupTCT in individuals affected with Gray Platelet Syndrome and no experimental evidence demonstrating its impact on protein function have been reported. No submitters have cited clinical-significance assessments for this variant to ClinVar. Based on the evidence outlined above, the variant was classified as uncertain significance.